The following is an entry in ClinVar:

ClinVar aggregate classification (germline): Uncertain significance. Review status: criteria provided, multiple submitters, no conflicts (2 of 4 stars). 2 submissions from 2 submitters: Uncertain significance (2). Last evaluated 2022-12-19.

Conditions:
CHD4-related disorder. Also called: CHD4-related condition.

Allele frequency attached by ClinVar (database versions not stated): gnomAD exomes below 0.00001; ExAC 0.00001.
gnomAD v4.1: 3 of 1,612,526 alleles (0.00019%); highest among the groups gnomAD compares: Non-Finnish European, 0.00025%; no homozygotes.

Submissions (2):

PreventionGenetics, part of Exact Sciences
Classification: Uncertain significance for CHD4-related condition. Last evaluated: 2022-12-19. Review status: criteria provided, single submitter. Criteria: ACMG Guidelines, 2015. Collection method: clinical testing. Allele origin: germline.
Comment: The CHD4 c.2125A>G variant is predicted to result in the amino acid substitution p.Thr709Ala. To our knowledge, this variant has not been reported in the literature. This variant is reported in 0.00089% of alleles in individuals of European (Non-Finnish) descent in gnomAD. At this time, the clinical significance of this variant is uncertain due to the absence of conclusive functional and genetic evidence.

Labcorp Genetics (formerly Invitae), Labcorp
Classification: Uncertain significance. Last evaluated: 2022-05-10. Review status: criteria provided, single submitter. Criteria: Invitae Variant Classification Sherloc (09022015). Collection method: clinical testing. Allele origin: germline.
Comment: In summary, the available evidence is currently insufficient to determine the role of this variant in disease. Therefore, it has been classified as a Variant of Uncertain Significance. Algorithms developed to predict the effect of sequence changes on RNA splicing suggest that this variant may disrupt the consensus splice site. Algorithms developed to predict the effect of missense changes on protein structure and function are either unavailable or do not agree on the potential impact of this missense change (SIFT: "Deleterious"; PolyPhen-2: "Benign"; Align-GVGD: "Class C55"). This variant has not been reported in the literature in individuals affected with CHD4-related conditions. This variant is present in population databases (rs777539073, gnomAD 0.0009%). This sequence change replaces threonine, which is neutral and polar, with alanine, which is neutral and non-polar, at codon 709 of the CHD4 protein (p.Thr709Ala).

NM_001273.5(CHD4):c.2125A>G (p.Thr709Ala)

Gene: CHD4 (chromodomain helicase DNA binding protein 4; minus strand). Cytogenetic location: 12p13.31.
Variant type: single nucleotide variant.
Coding change: c.2125A>G on transcript NM_001273.5 (MANE Select); coding-DNA position 2125, A replaced by G.
Protein change: p.Thr709Ala; replaces threonine 709 with alanine.
Molecular consequence: missense variant.
Genome position (GRCh38, 1-based): chr12:6,594,647, T>C on the plus strand (A>G on the coding strand, the complement: CHD4 is on the minus strand). VCF-style: chr12-6594647-T-C. GRCh37 (hg19) VCF-style: chr12-6703813-T-C.
Other names: c.2125A>G (NM_001273.3); c.2104A>G, p.Thr702Ala (NM_001297553.2); c.2086A>G, p.Thr696Ala (NM_001363606.2); short protein forms T696A, T709A, T702A.
Identifiers: ClinVar variation 1963359 (VCV001963359.6), dbSNP rs777539073, ClinGen allele CA6412030.